The following is an entry in ClinVar:

NM_152328.5(ADSS1):c.409+4C>G

Gene: ADSS1 (adenylosuccinate synthase 1; plus strand). Cytogenetic location: 14q32.33.
Variant type: single nucleotide variant.
Coding change: c.409+4C>G on transcript NM_152328.5 (MANE Select); 4 bases into the intron after coding-DNA position 409, C replaced by G.
Molecular consequence: intron variant.
Genome position (GRCh38, 1-based): chr14:104,739,382, C>G. VCF-style: chr14-104739382-C-G. GRCh37 (hg19) VCF-style: chr14-105205719-C-G.
Other names: c.538+4C>G (NM_199165.2); c.-190+4C>G (NM_001320424.1).
Identifiers: ClinVar variation 1958577 (VCV001958577.5), dbSNP rs370711550, ClinGen allele CA2580088472.

ClinVar aggregate classification (germline): Uncertain significance (1 of 4 stars; one submission).

Submission:

Labcorp Genetics (formerly Invitae), Labcorp
Classification: Uncertain significance. Last evaluated: 2021-12-09. Review status: criteria provided, single submitter. Criteria: Invitae Variant Classification Sherloc (09022015). Collection method: clinical testing. Allele origin: germline.
Comment: In summary, the available evidence is currently insufficient to determine the role of this variant in disease. Therefore, it has been classified as a Variant of Uncertain Significance. Variants that disrupt the consensus splice site are a relatively common cause of aberrant splicing (PMID: 17576681, 9536098). Experimental studies and prediction algorithms are not available or were not evaluated, and the effect of this variant on mRNA splicing is currently unknown. This variant has not been reported in the literature in individuals affected with ADSSL1-related conditions. This variant is not present in population databases (gnomAD no frequency). This sequence change falls in intron 4 of the ADSSL1 gene. It does not directly change the encoded amino acid sequence of the ADSSL1 protein. It affects a nucleotide within the consensus splice site.

Literature cited by the submitters: PubMed 17576681; PubMed 9536098.